The following is an entry in ClinVar:

NM_000051.4(ATM):c.331+2T>C

Gene: ATM (ATM serine/threonine kinase; plus strand). Cytogenetic location: 11q22.3.
Variant type: single nucleotide variant.
Coding change: c.331+2T>C on transcript NM_000051.4 (MANE Select); the canonical splice donor site of the intron after coding-DNA position 331, T replaced by C.
Molecular consequence: splice donor variant. On other transcripts: synonymous variant (2).
Genome position (GRCh38, 1-based): chr11:108,229,325, T>C. VCF-style: chr11-108229325-T-C. GRCh37 (hg19) VCF-style: chr11-108100052-T-C.
Other names: c.333T>C, p.Ser111= (NM_001351835.2, NM_001351836.2); c.331+2T>C (NM_001351834.2).
Identifiers: ClinVar variation 1683256 (VCV001683256.2), dbSNP rs1555055358, ClinGen allele CA382521845.
Genomic context (GRCh38, chr11:108,229,325, plus strand): 5'-GAAAAAGATGCAGGAAATCAGTAGTTTGGTCAAATACTTCATCAAATGTGCAAACAGAAG[T>C]AAGTGATGTTATAAATTATAAATAAATGGCTTAACAGATTACTGTCGCGTGAGTTTTTTT-3'

ClinVar aggregate classification (germline): Likely pathogenic. Review status: criteria provided, multiple submitters, no conflicts (2 of 4 stars). 2 submissions from 2 submitters: Likely pathogenic (2). Last evaluated 2024-01-09.

Conditions:
Ataxia-telangiectasia syndrome (AT). Also called: Ataxia-telangiectasia, complementation group D; AT, COMPLEMENTATION GROUP C; ATAXIA-TELANGIECTASIA, COMPLEMENTATION GROUP A; ATAXIA-TELANGIECTASIA, FRESNO VARIANT; Cerebello-oculocutaneous telangiectasia; Immunodeficiency with ataxia telangiectasia. Identifiers: Orphanet 100, MedGen C0004135, MONDO:0008840, OMIM 208900.
Familial cancer of breast. Also called: hereditary breast carcinoma; BREAST CANCER, FAMILIAL; Hereditary breast cancer. Identifiers: Orphanet 227535, MedGen C0346153, MONDO:0016419, OMIM 114480. Disease mechanism: loss of function.

Submissions (2):

Myriad Genetics, Inc.
Classification: Likely pathogenic for Familial cancer of breast. Last evaluated: 2024-01-09. Review status: criteria provided, single submitter. Criteria: Myriad Autosomal Dominant, Autosomal Recessive and X-Linked Classification Criteria (2023). Collection method: clinical testing. Allele origin: unknown.
Comment: This variant is considered likely pathogenic. This variant occurs within a consensus splice junction and is predicted to result in abnormal mRNA splicing of either an out-of-frame exon or an in-frame exon necessary for protein stability and/or normal function.

Women's Health and Genetics/Laboratory Corporation of America, LabCorp
Classification: Likely pathogenic for Ataxia-telangiectasia syndrome. Last evaluated: 2022-04-22. Review status: criteria provided, single submitter. Criteria: LabCorp Variant Classification Summary - May 2015. Collection method: clinical testing. Allele origin: germline.
Comment: Variant summary: ATM c.331+2T>C alters a conserved nucleotide located in a canonical splice-site and is predicted to affect mRNA splicing resulting in a significantly altered protein due to either exon skipping, shortening, or inclusion of intronic material. Several computational tools predict a significant impact on normal splicing: One predicts the variant no significant impact on splicing. Two predict the variant abolishes the canonical 5' splicing donor site. However, these predictions have yet to be confirmed by functional studies. The variant was absent in 249372 control chromosomes. To our knowledge, no occurrence of c.331+2T>C in individuals affected with Ataxia-Telangiectasia and no experimental evidence demonstrating its impact on protein function have been reported. No clinical diagnostic laboratories have submitted clinical-significance assessments for this variant to ClinVar after 2014. Based on the evidence outlined above, the variant was classified as likely pathogenic.